The following is an entry in ClinVar:

ClinVar aggregate classification (germline): Uncertain significance. Review status: criteria provided, multiple submitters, no conflicts (2 of 4 stars). 2 submissions from 2 submitters: Uncertain significance (2). Last evaluated 2024-11-05.

Conditions:
Autosomal dominant polycystic kidney disease. Identifiers: Orphanet 730, MedGen C0085413, MONDO:0004691.

Allele frequency attached by ClinVar (database versions not stated): TOPMed 0.00001.
gnomAD v4.1: 6 of 1,613,890 alleles (0.00037%); highest among the groups gnomAD compares: East Asian, 0.0067%; no homozygotes.

Submissions (2):

Blueprint Genetics
Classification: Uncertain significance. Last evaluated: 2024-11-05. Review status: criteria provided, single submitter. Criteria: ACMG Guidelines, 2015. Collection method: clinical testing. Allele origin: germline.

Labcorp Genetics (formerly Invitae), Labcorp
Classification: Uncertain significance for Autosomal dominant polycystic kidney disease. Last evaluated: 2022-06-19. Review status: criteria provided, single submitter. Criteria: Invitae Variant Classification Sherloc (09022015). Collection method: clinical testing. Allele origin: germline.
Comment: In summary, the available evidence is currently insufficient to determine the role of this variant in disease. Therefore, it has been classified as a Variant of Uncertain Significance. Algorithms developed to predict the effect of missense changes on protein structure and function (SIFT, PolyPhen-2, Align-GVGD) all suggest that this variant is likely to be tolerated. This variant has not been reported in the literature in individuals affected with PKD2-related conditions. This variant is present in population databases (rs745306325, gnomAD 0.0009%). This sequence change replaces methionine, which is neutral and non-polar, with valine, which is neutral and non-polar, at codon 241 of the PKD2 protein (p.Met241Val).

NM_000297.4(PKD2):c.721A>G (p.Met241Val)

Gene: PKD2 (polycystin 2, transient receptor potential cation channel; plus strand). Cytogenetic location: 4q22.1.
Variant type: single nucleotide variant.
Coding change: c.721A>G on transcript NM_000297.4 (MANE Select); coding-DNA position 721, A replaced by G.
Protein change: p.Met241Val; replaces methionine 241 with valine.
Molecular consequence: missense variant. On other transcripts: non-coding transcript variant (1).
Genome position (GRCh38, 1-based): chr4:88,036,231, A>G. VCF-style: chr4-88036231-A-G. GRCh37 (hg19) VCF-style: chr4-88957383-A-G.
Other names: short protein forms M241V.
Identifiers: ClinVar variation 2179471 (VCV002179471.5), dbSNP rs745306325, ClinGen allele CA3003786.